The following is an entry in ClinVar:

NM_000051.4(ATM):c.6096-3T>G

Genes: ATM (ATM serine/threonine kinase; plus strand), C11orf65 (chromosome 11 open reading frame 65; minus strand). Cytogenetic location: 11q22.3.
Variant type: single nucleotide variant.
Coding change: c.6096-3T>G on transcript NM_000051.4 (MANE Select); 3 bases into the intron before coding-DNA position 6096, T replaced by G.
Molecular consequence: intron variant.
Genome position (GRCh38, 1-based): chr11:108,316,008, T>G. VCF-style: chr11-108316008-T-G. GRCh37 (hg19) VCF-style: chr11-108186735-T-G.
Other names: c.6096-3T>G (NM_001351834.2); c.641-6937A>C (NM_001330368.2); c.*39-6937A>C (NM_001351110.2).
Identifiers: ClinVar variation 1391769 (VCV001391769.7), dbSNP rs748380897, ClinGen allele CA2573146548.

ClinVar aggregate classification (germline): Uncertain significance (1 of 4 stars; one submission).

Conditions:
Ataxia-telangiectasia syndrome (AT). Also called: Ataxia-telangiectasia; LOUIS-BAR SYNDROME; Ataxia-telangiectasia, complementation group D; AT, COMPLEMENTATION GROUP C; ATAXIA-TELANGIECTASIA, COMPLEMENTATION GROUP A; ATAXIA-TELANGIECTASIA, FRESNO VARIANT. Identifiers: Orphanet 100, MedGen C0004135, MONDO:0008840, OMIM 208900.

Submission:

Labcorp Genetics (formerly Invitae), Labcorp
Classification: Uncertain significance for Ataxia-telangiectasia syndrome. Last evaluated: 2021-11-06. Review status: criteria provided, single submitter. Criteria: Invitae Variant Classification Sherloc (09022015). Collection method: clinical testing. Allele origin: germline.
Comment: This variant is not present in population databases (gnomAD no frequency). This variant has not been reported in the literature in individuals affected with ATM-related conditions. Variants that disrupt the consensus splice site are a relatively common cause of aberrant splicing (PMID: 17576681, 9536098). Algorithms developed to predict the effect of sequence changes on RNA splicing suggest that this variant may disrupt the consensus splice site. In summary, the available evidence is currently insufficient to determine the role of this variant in disease. Therefore, it has been classified as a Variant of Uncertain Significance. This sequence change falls in intron 41 of the ATM gene. It does not directly change the encoded amino acid sequence of the ATM protein. It affects a nucleotide within the consensus splice site.

Literature cited by the submitters: PubMed 17576681; PubMed 9536098.